The following is an entry in ClinVar:

ClinVar aggregate classification (germline): Uncertain significance (1 of 4 stars; one submission).

Submission:

CeGaT Center for Human Genetics Tuebingen
Classification: Uncertain significance. Last evaluated: 2025-01-01. Review status: criteria provided, single submitter. Criteria: CeGaT Center For Human Genetics Tuebingen Variant Classification Criteria Version 2. Collection method: clinical testing. Allele origin: germline. Affected: yes. Observed: 1 variant allele.
Comment: COL4A3: PM2, BP4

NM_000091.5(COL4A3):c.4519G>A (p.Val1507Ile)

Genes: COL4A3 (collagen type IV alpha 3 chain; plus strand), MFF-DT (MFF divergent transcript; minus strand). Cytogenetic location: 2q36.3.
Variant type: single nucleotide variant.
Coding change: c.4519G>A on transcript NM_000091.5 (MANE Select); coding-DNA position 4519, G replaced by A.
Protein change: p.Val1507Ile; replaces valine 1507 with isoleucine.
Molecular consequence: missense variant.
Genome position (GRCh38, 1-based): chr2:227,308,955, G>A. VCF-style: chr2-227308955-G-A. GRCh37 (hg19) VCF-style: chr2-228173671-G-A.
Other names: short protein forms V1507I.
Identifiers: ClinVar variation 3772282 (VCV003772282.13).